The following is an entry in ClinVar:

NM_032444.4(SLX4):c.3918G>T (p.Gln1306His)

Gene: SLX4 (SLX4 structure-specific endonuclease subunit; minus strand). Cytogenetic location: 16p13.3.
Variant type: single nucleotide variant.
Coding change: c.3918G>T on transcript NM_032444.4 (MANE Select); coding-DNA position 3918, G replaced by T.
Protein change: p.Gln1306His; replaces glutamine 1306 with histidine.
Molecular consequence: missense variant.
Genome position (GRCh38, 1-based): chr16:3,589,720, C>A on the plus strand (G>T on the coding strand, the complement: SLX4 is on the minus strand). VCF-style: chr16-3589720-C-A. GRCh37 (hg19) VCF-style: chr16-3639721-C-A.
Other names: short protein forms Q1306H.
Identifiers: ClinVar variation 2199409 (VCV002199409.3), dbSNP rs1378434655, ClinGen allele CA394518858.

ClinVar aggregate classification (germline): Uncertain significance (1 of 4 stars; one submission).

Conditions:
Fanconi anemia (FA). Also called: Fanconi's anemia. Identifiers: Orphanet 84, MedGen C0015625, MeSH D005199, MONDO:0019391.

Allele frequency attached by ClinVar (database versions not stated): gnomAD exomes 0.00001.
gnomAD v4.1: 7 of 1,613,824 alleles (0.00043%); highest among the groups gnomAD compares: Middle Eastern, 0.066%; 1 homozygote.

Submission:

Labcorp Genetics (formerly Invitae), Labcorp
Classification: Uncertain significance for Fanconi anemia. Last evaluated: 2023-08-10. Review status: criteria provided, single submitter. Criteria: Invitae Variant Classification Sherloc (09022015). Collection method: clinical testing. Allele origin: germline.
Comment: This sequence change replaces glutamine, which is neutral and polar, with histidine, which is basic and polar, at codon 1306 of the SLX4 protein (p.Gln1306His). This variant is present in population databases (no rsID available, gnomAD 0.0009%), including at least one homozygous and/or hemizygous individual. In summary, the available evidence is currently insufficient to determine the role of this variant in disease. Therefore, it has been classified as a Variant of Uncertain Significance. Algorithms developed to predict the effect of missense changes on protein structure and function output the following: SIFT: "Not Available"; PolyPhen-2: "Benign"; Align-GVGD: "Not Available". The histidine amino acid residue is found in multiple mammalian species, which suggests that this missense change does not adversely affect protein function. ClinVar contains an entry for this variant (Variation ID: 2199409). This variant has not been reported in the literature in individuals affected with SLX4-related conditions.